The following is an entry in ClinVar:

ClinVar aggregate classification (germline): Uncertain significance. Review status: reviewed by expert panel (3 of 4 stars). 2 submissions from 2 submitters: Uncertain significance (1). 1 of the submissions does not count toward it. Last evaluated 2024-11-07.

Conditions:
Glanzmann thrombasthenia 2. Also called: BLEEDING DISORDER, PLATELET-TYPE, 23. Identifiers: MedGen C5543273, MONDO:0031009, OMIM 619267.
Glanzmann thrombasthenia. Also called: THROMBASTHENIA OF GLANZMANN AND NAEGELI; BLEEDING DISORDER, PLATELET-TYPE, 2; Thrombasthenia; Glanzmann's thrombasthenia; PLATELET GLYCOPROTEIN IIb-IIIa DEFICIENCY. Identifiers: Orphanet 849, MedGen C0040015, MONDO:0100326.

Submissions (2):

ClinGen Platelet Disorders Variant Curation Expert Panel, ClinGen
Classification: Uncertain significance for Glanzmann thrombasthenia. Last evaluated: 2024-11-07. Review status: reviewed by expert panel. Criteria: ClinGen Platelet ACMG Specifications v2-1. Collection method: curation. Allele origin: germline. Inheritance: Autosomal recessive inheritance.
Comment: The NM_000212.2(ITGB3):c.2332T>C (p.Ser778Pro) missense variant has been reported in at least one Glanzmann thrombasthenia patient (PMID: 1438206). This variant is absent from gnomAD v4.1 (PM2_Supporting). The receptor function of αIIbβ3, measured by functional flow cytometry, in CHO cells transiently co-transfected with the Ser778Pro variant β3 and wild type αIIb showed minimal binding to ligand mimetic antibody PAC-1 indicating that this variant impacts protein function (PMID: 8080992; PS3). In summary, this variant meets the criteria to be classified as uncertain significance for autosomal recessive Glanzmann Thrombasthenia based on the ACMG/AMP criteria applied, as specified by the ClinGen PD VCEP: PS3, PM2_supporitng.

OMIM
Classification: Pathogenic for GLANZMANN THROMBASTHENIA 2. Last evaluated: 1992-11-01. Review status: no assertion criteria provided. Collection method: literature only. Allele origin: germline. Not counted in ClinVar's aggregate classification.

Literature cited by the submitters: PubMed 8080992 (cited by ClinGen Platelet Disorders Variant Curation Expert Panel, ClinGen); PubMed 1438206 (cited by OMIM).

NM_000212.3(ITGB3):c.2332T>C (p.Ser778Pro)

Genes: ITGB3 (integrin subunit beta 3; plus strand), EFCAB13-DT (EFCAB13 divergent transcript; minus strand). Cytogenetic location: 17q21.32.
Variant type: single nucleotide variant.
Coding change: c.2332T>C on transcript NM_000212.3 (MANE Select); coding-DNA position 2332, T replaced by C.
Protein change: p.Ser778Pro; replaces serine 778 with proline.
Molecular consequence: missense variant.
Genome position (GRCh38, 1-based): chr17:47,310,169, T>C. VCF-style: chr17-47310169-T-C. GRCh37 (hg19) VCF-style: chr17-45387535-T-C.
Other names: S752P; NM_000212.2(ITGB3):c.2332T>C; short protein forms S778P.
Identifiers: ClinVar variation 13556 (VCV000013556.7), dbSNP rs121918447, ClinGen allele CA123230.